The following is an entry in ClinVar:

NM_000128.4(F11):c.779_789delinsT (p.Ser260fs)

Gene: F11 (coagulation factor XI; plus strand). Cytogenetic location: 4q35.2.
Variant type: Indel.
Coding change: c.779_789delinsT on transcript NM_000128.4 (MANE Select); coding-DNA positions 779 to 789, CTGAGAGTGGA replaced by T.
Protein change: p.Ser260fs; shifts the reading frame from serine 260.
Molecular consequence: frameshift variant.
Genome position (GRCh38, 1-based): chr4:186,280,035-186,280,045, CTGAGAGTGGA replaced by T. VCF-style: chr4-186280035-CTGAGAGTGGA-T. GRCh37 (hg19) VCF-style: chr4-187201189-CTGAGAGTGGA-T.
Other names: c.779_789delinsT, p.Ser260fs (NM_001440590.1, NM_001440593.1, NM_001440596.1); c.509_519delinsT, p.Ser170fs (NM_001440605.1, NM_001440606.1, NM_001440607.1 and 1 more transcripts); short protein forms S170fs, S260fs.
Identifiers: ClinVar variation 5012484 (VCV005012484.1).

ClinVar aggregate classification (germline): Pathogenic (1 of 4 stars; one submission).

Conditions:
Hereditary factor XI deficiency disease. Also called: PLASMA THROMBOPLASTIN ANTECEDENT DEFICIENCY; PTA DEFICIENCY; ROSENTHAL SYNDROME; Congenital factor XI deficiency. Identifiers: Orphanet 329, MedGen C0015523, MeSH D005173, MONDO:0012897, OMIM 612416.

Submission:

Myriad Genetics, Inc.
Classification: Pathogenic for Hereditary factor XI deficiency disease. Last evaluated: 2023-11-14. Review status: criteria provided, single submitter. Criteria: Myriad Autosomal Dominant, Autosomal Recessive and X-Linked Classification Criteria (2023). Collection method: clinical testing. Allele origin: unknown.
Comment: NM_000128.3(F11):c.779_789del11ins1(S260Ffs*86) is expected to be pathogenic in the context of factor XI deficiency. This variant is predicted to lead to an abnormal or absent protein product due to the creation of a premature termination codon in F11, a gene where loss-of-function variants are known to be pathogenic. Please note: this variant was assessed in the context of healthy population screening.